The following is an entry in ClinVar:

ClinVar aggregate classification (germline): Uncertain significance (1 of 4 stars; one submission).

gnomAD v4.1: 17 of 1,614,154 alleles (0.0011%); highest among the groups gnomAD compares: South Asian, 0.018%; no homozygotes.

Submission:

GeneDx
Classification: Uncertain significance. Last evaluated: 2025-05-08. Review status: criteria provided, single submitter. Criteria: GeneDx Variant Classification Process June 2021. Collection method: clinical testing. Allele origin: germline. Affected: yes.
Comment: In silico analysis suggests this variant may impact gene splicing. In the absence of RNA/functional studies, the actual effect of this sequence change is unknown.; Has not been previously published as pathogenic or benign to our knowledge

NM_000789.4(ACE):c.2865G>A (p.Val955=)

Gene: ACE (angiotensin I converting enzyme; plus strand). Cytogenetic location: 17q23.3.
Variant type: single nucleotide variant.
Coding change: c.2865G>A on transcript NM_000789.4 (MANE Select); coding-DNA position 2865, G replaced by A.
Protein change: p.Val955=; no amino-acid change (valine 955 retained).
Molecular consequence: synonymous variant. On other transcripts: non-coding transcript variant (1).
Genome position (GRCh38, 1-based): chr17:63,491,334, G>A. VCF-style: chr17-63491334-G-A. GRCh37 (hg19) VCF-style: chr17-61568695-G-A.
Other names: c.2298G>A, p.Val766= (NM_001382700.1); c.2013G>A, p.Val671= (NM_001382701.1); c.603G>A, p.Val201= (NM_001382702.1); c.1143G>A, p.Val381= (NM_152830.3, NM_001178057.2).
Identifiers: ClinVar variation 4527889 (VCV004527889.1).
Genomic context (GRCh38, chr17:63,491,334, plus strand): 5'-CGTGCCTCCTGAGTTCTGGAACAAGTCGATGCTGGAGAAGCCAACCGACGGGCGGGAGGT[G>A]GTCTGCCACGCCTCGGCCTGGGACTTCTACAACGGCAAGGACTTCCGGTACATCCAGCTA-3'
Protein context (NP_000780.1, residues 945-965): MLEKPTDGRE[Val955=]VCHASAWDFY